The following is an entry in ClinVar:

NM_000451.4(SHOX):c.250G>T (p.Glu84Ter)

Gene: SHOX (SHOX homeobox; plus strand). Cytogenetic location: Xp22.33.
Variant type: single nucleotide variant.
Coding change: c.250G>T on transcript NM_000451.4 (MANE Select); coding-DNA position 250, G replaced by T.
Protein change: p.Glu84Ter; replaces glutamic acid 84 with a stop codon.
Molecular consequence: nonsense.
Genome position (GRCh38, 1-based): chrX:631,147, G>T. VCF-style: chrX-631147-G-T. GRCh37 (hg19) VCF-style: chrX-591882-G-T.
Other names: c.250G>T, p.Glu84Ter (NM_006883.2); short protein forms E84*.
Identifiers: ClinVar variation 1333444 (VCV001333444.1), dbSNP rs2124154821, ClinGen allele CA412231074.

ClinVar aggregate classification (germline): Likely pathogenic (1 of 4 stars; one submission).

Conditions:
Leri-Weill dyschondrosteosis (LWD). Also called: DYSCHONDROSTEOSIS; Léri-Weill dyschondrosteosis; Leri-Weill Dyschondrosteosis (LWD). Identifiers: Orphanet 240, MedGen C0265309, MONDO:0007481, OMIM 127300.

gnomAD v4.1: 1 of 1,613,290 alleles (0.000062%); highest among the groups gnomAD compares: Non-Finnish European, 0.000085%; no homozygotes.

Submission:

3billion
Classification: Likely pathogenic for Leri-Weill dyschondrosteosis. Last evaluated: 2022-01-03. Review status: criteria provided, single submitter. Criteria: ACMG Guidelines, 2015. Collection method: clinical testing. Allele origin: germline. Affected: yes. Observed: 1 heterozygote.
Comment: Stop-gained (nonsense): predicted to result in a loss or disruption of normal protein function through nonsense-mediated decay (NMD) or protein truncation. Multiple pathogenic variants are reported downstream of the variant (PVS1_VS). It is not observed in the gnomAD v2.1.1 dataset (PM2_M). Therefore, this variant is classified as likely pathogenic according to the recommendation of ACMG/AMP guideline.